The following is an entry in ClinVar:

NM_000455.5(STK11):c.124C>T (p.Arg42Trp)

Gene: STK11 (serine/threonine kinase 11; plus strand). Cytogenetic location: 19p13.3.
Variant type: single nucleotide variant.
Coding change: c.124C>T on transcript NM_000455.5 (MANE Select); coding-DNA position 124, C replaced by T.
Protein change: p.Arg42Trp; replaces arginine 42 with tryptophan.
Molecular consequence: missense variant.
Genome position (GRCh38, 1-based): chr19:1,207,037, C>T. VCF-style: chr19-1207037-C-T. GRCh37 (hg19) VCF-style: chr19-1207036-C-T.
Other names: short protein forms R42W.
Identifiers: ClinVar variation 920205 (VCV000920205.12), dbSNP rs765367492, ClinGen allele CA046107.

ClinVar aggregate classification (germline): Uncertain significance. Review status: criteria provided, multiple submitters, no conflicts (2 of 4 stars). 5 submissions from 5 submitters: Uncertain significance (5). Last evaluated 2025-10-17.

Conditions:
Melanoma, cutaneous malignant, susceptibility to, 1 (CMM1). Also called: MELANOMA, MALIGNANT; DYSPLASTIC NEVUS SYNDROME, HEREDITARY; FAMILIAL ATYPICAL MOLE-MALIGNANT MELANOMA SYNDROME; B-K MOLE SYNDROME. Identifiers: Orphanet 618, MedGen C1835047, MONDO:0007963, OMIM 155600.
Peutz-Jeghers syndrome (PJS). Also called: POLYPOSIS, HAMARTOMATOUS INTESTINAL; POLYPS-AND-SPOTS SYNDROME; Peutz-Jeghers polyposis; Periorificial lentiginosis syndrome. Identifiers: Orphanet 2869, MedGen C0031269, MeSH D010580, MONDO:0008280, OMIM 175200.
Familial pancreatic carcinoma. Identifiers: Orphanet 1333, MedGen C2931038, MONDO:0015278, OMIM 260350.
Germ cell tumor of testis (TGCT). Also called: Testicular germ cell tumor; GERM CELL TUMOR, SOMATIC. Identifiers: Orphanet 363504, MedGen C1336708, MONDO:0010108, OMIM 273300.
Hereditary cancer-predisposing syndrome. Also called: Hereditary Cancer Syndrome; Hereditary neoplastic syndrome; Neoplastic Syndromes, Hereditary; Tumor predisposition. Identifiers: Orphanet 140162, MedGen C0027672, MeSH D009386, MONDO:0015356.

Allele frequency attached by ClinVar (database versions not stated): gnomAD exomes below 0.00001; ExAC 0.00001.
gnomAD v4.1: 3 of 1,613,768 alleles (0.00019%); highest among the groups gnomAD compares: South Asian, 0.0011%; no homozygotes.

Submissions (5):

Labcorp Genetics (formerly Invitae), Labcorp
Classification: Uncertain significance for Peutz-Jeghers syndrome. Last evaluated: 2025-10-17. Review status: criteria provided, single submitter. Criteria: Invitae Variant Classification Sherloc (09022015). Collection method: clinical testing. Allele origin: germline.
Comment: This sequence change replaces arginine, which is basic and polar, with tryptophan, which is neutral and slightly polar, at codon 42 of the STK11 protein (p.Arg42Trp). This variant is present in population databases (rs765367492, gnomAD 0.0009%). This variant has not been reported in the literature in individuals affected with STK11-related conditions. ClinVar contains an entry for this variant (Variation ID: 920205). Invitae Evidence Modeling of protein sequence and biophysical properties (such as structural, functional, and spatial information, amino acid conservation, physicochemical variation, residue mobility, and thermodynamic stability) has been performed for this missense variant. However, the output from this modeling did not meet the statistical confidence thresholds required to predict the impact of this variant on STK11 protein function. In summary, the available evidence is currently insufficient to determine the role of this variant in disease. Therefore, it has been classified as a Variant of Uncertain Significance.

Fulgent Genetics
Classification: Uncertain significance for Melanoma, cutaneous malignant, susceptibility to, 1; Peutz-Jeghers syndrome; Familial pancreatic carcinoma; Germ cell tumor of testis. Last evaluated: 2024-05-04. Review status: criteria provided, single submitter. Criteria: ACMG Guidelines, 2015. Collection method: clinical testing. Allele origin: germline.

Department of Pathology and Laboratory Medicine, Sinai Health System
Classification: Uncertain significance for Peutz-Jeghers syndrome. Last evaluated: 2023-12-18. Review status: criteria provided, single submitter. Criteria: ACMG Guidelines, 2015. Collection method: clinical testing. Allele origin: germline. Affected: yes.

Ambry Genetics
Classification: Uncertain significance for Hereditary cancer-predisposing syndrome. Last evaluated: 2022-01-13. Review status: criteria provided, single submitter. Criteria: Ambry Variant Classification Scheme 2023. Collection method: clinical testing. Allele origin: germline.
Comment: The p.R42W variant (also known as c.124C>T), located in coding exon 1 of the STK11 gene, results from a C to T substitution at nucleotide position 124. The arginine at codon 42 is replaced by tryptophan, an amino acid with dissimilar properties. This alteration was observed in a cohort of 431 patients with wild-type PTEN who met at least the relaxed diagnostic criteria of the International Cowden Consortium (Lee YR et al. N Engl J Med, 2020 05;382:2103-2116). This amino acid position is highly conserved in available vertebrate species. In addition, the in silico prediction for this alteration is inconclusive. Since supporting evidence is limited at this time, the clinical significance of this alteration remains unclear.

Color Diagnostics, LLC DBA Color Health
Classification: Uncertain significance for Hereditary cancer-predisposing syndrome. Last evaluated: 2019-02-08. Review status: criteria provided, single submitter. Criteria: ACMG Guidelines, 2015. Collection method: clinical testing. Allele origin: germline.

Literature cited by the submitters: PubMed 32459922 (cited by Department of Pathology and Laboratory Medicine, Sinai Health System and Ambry Genetics).